The following is an entry in ClinVar:

NM_000540.3(RYR1):c.329A>G (p.His110Arg)

Gene: RYR1 (ryanodine receptor 1; plus strand). Cytogenetic location: 19q13.2.
Variant type: single nucleotide variant.
Coding change: c.329A>G on transcript NM_000540.3 (MANE Select); coding-DNA position 329, A replaced by G.
Protein change: p.His110Arg; replaces histidine 110 with arginine.
Molecular consequence: missense variant.
Genome position (GRCh38, 1-based): chr19:38,443,616, A>G. VCF-style: chr19-38443616-A-G. GRCh37 (hg19) VCF-style: chr19-38934256-A-G.
Other names: c.329A>G, p.His110Arg (NM_001042723.2); short protein forms H110R.
Identifiers: ClinVar variation 3377444 (VCV003377444.1).

ClinVar aggregate classification (germline): Uncertain significance (1 of 4 stars; one submission).

Conditions:
Malignant hyperthermia, susceptibility to, 1 (MHS1). Also called: Anesthesia related hyperthermia; Malignant hyperpyrexia; Fulminating hyperpyrexia; Pharmacogenic myopathy; Malignant hyperthermia suceptibility 1; RYR1-Related Malignant Hyperthermia Susceptibility. Identifiers: Orphanet 423, MedGen C2930980, MONDO:0007783, OMIM 145600.

gnomAD v4.1: 2 of 1,614,076 alleles (0.00012%); highest among the groups gnomAD compares: Non-Finnish European, 0.00017%; no homozygotes.

Submission:

Victorian Clinical Genetics Services, Murdoch Childrens Research Institute
Classification: Uncertain significance for Malignant hyperthermia, susceptibility to, 1. Last evaluated: 2020-05-26. Review status: criteria provided, single submitter. Criteria: ACMG Guidelines, 2015. Collection method: clinical testing. Allele origin: germline.
Comment: Based on the classification scheme VCGS_Germline_v1.1.1, this variant is classified as a 3A-VUS. Following criteria are met: 0103 - Both loss- and gain-of-function are known mechanisms of disease for this gene. (PMID: 23919265). (N) 0108 - This gene is known to be associated with both recessive and dominant disease. (OMIM) (N) 0113 - This gene is known to be imprinted (OMIM). (N) 0200 - Variant is predicted to result in a missense amino acid change from histidine to arginine (exon 4). (N) 0251 - Variant is heterozygous. (N) 0301 - Variant is absent from gnomAD. (P) 0309 - An alternative amino acid change at the same position has been observed in gnomAD: p.(His110Tyr) 0.0004% (1 heterozygote only) in the European non-Finnish population. (N) 0501 - Missense variant consistently predicted to be damaging by multiple in silico tools or highly conserved with a major amino acid change. 4/4 in silico tools. Very highly conserved, although Minor change. (P) 0602 - Variant is located in a hotspot region or cluster of pathogenic variants. Located in Region 1 / Hotspot domain 1 (PMID: 23919265). (P) 0704 - Comparable variant has low previous evidence for pathogenicity. p.(His110Tyr): ClinVar: Conflicting: VUS x1 + Likely Pathogenic x1). Also, reported in compound heterozygous form with another missense variant in a fetus with akinesia, hydrops, decreased fetal movements, clubfeet and arthrogryposis. Maternally inherited, who was asymptomatic for malignant hyperthermia (PMID: 30652412, also described in PMID: 29261186). (P) 0807 - Variant has not previously been reported in a clinical context. Note: it has been submitted once as a VUS in the LOVD3 Leiden Muscular dystrophy database. (N) 0905 - No segregation evidence has been identified for this variant. (N) 1007 - No published functional evidence has been identified for this variant. (N) 1208 - Inheritance information for this variant is not currently available. (N) Legend: (P) - Pathogenic, (N) - Neutral, (B) - Benign

Literature cited by the submitters: PubMed 23919265; PubMed 29261186; PubMed 30652412.